The following is an entry in ClinVar:

NM_006017.3(PROM1):c.1440C>T (p.Gly480=)

Gene: PROM1 (prominin 1; minus strand). Cytogenetic location: 4p15.32.
Variant type: single nucleotide variant.
Coding change: c.1440C>T on transcript NM_006017.3 (MANE Select); coding-DNA position 1440, C replaced by T.
Protein change: p.Gly480=; no amino-acid change (glycine 480 retained).
Molecular consequence: synonymous variant.
Genome position (GRCh38, 1-based): chr4:16,006,552, G>A on the plus strand (C>T on the coding strand, the complement: PROM1 is on the minus strand). VCF-style: chr4-16006552-G-A. GRCh37 (hg19) VCF-style: chr4-16008175-G-A.
Other names: c.1440C>T (NM_006017.2); c.1413C>T, p.Gly471= (NM_001145847.2, NM_001145848.2, NM_001145851.2 and 4 more transcripts); c.1440C>T, p.Gly480= (NM_001145849.2, NM_001145850.2).
Identifiers: ClinVar variation 2982337 (VCV002982337.5), dbSNP rs749555115, ClinGen allele CA2866770.
Genomic context (GRCh38, chr4:16,006,552, plus strand): 5'-CTCCTGCATTCCCACTCCCACATGACAGAGAGGAGCAGACACTCACACCATGAGGAAGAC[G>A]CCTCCGGTGTTGGAGACACAGCCTCGGGTGGTCGGGGTGGCATGCCTGTCATAGCCGCAC-3'
Protein context (NP_006008.1, residues 470-490): TTRGCVSNTG[Gly480=]VFLMVGVGLS

ClinVar aggregate classification (germline): Likely benign. Review status: criteria provided, single submitter (1 of 4 stars). 2 submissions from 2 submitters: Likely benign (1). 1 of the submissions does not count toward it. Last evaluated 2023-10-25.

Conditions:
PROM1-related disorder. Also called: PROM1-related condition; PROM1-related disorders.

Allele frequency attached by ClinVar (database versions not stated): gnomAD 0.00001; ExAC 0.00007.
gnomAD v4.1: 31 of 1,593,928 alleles (0.0019%); highest among the groups gnomAD compares: South Asian, 0.0023%; no homozygotes.

Submissions (2):

Labcorp Genetics (formerly Invitae), Labcorp
Classification: Likely benign. Last evaluated: 2023-10-25. Review status: criteria provided, single submitter. Criteria: Invitae Variant Classification Sherloc (09022015). Collection method: clinical testing. Allele origin: germline.

PreventionGenetics, part of Exact Sciences
Classification: Likely benign for PROM1-related condition. Last evaluated: 2024-09-15. Review status: no assertion criteria provided. Collection method: clinical testing. Allele origin: germline. Not counted in ClinVar's aggregate classification.
Comment: This variant is classified as likely benign based on ACMG/AMP sequence variant interpretation guidelines (Richards et al. 2015 PMID: 25741868, with internal and published modifications).